The following is an entry in ClinVar:

ClinVar aggregate classification (germline): Uncertain significance (1 of 4 stars; one submission).

gnomAD v4.1: 2 of 471,626 alleles (0.00042%); highest among the groups gnomAD compares: Admixed American, 0.0047%; no homozygotes.

Submission:

Women's Health and Genetics/Laboratory Corporation of America, LabCorp
Classification: Uncertain significance. Last evaluated: 2025-06-26. Review status: criteria provided, single submitter. Criteria: LabCorp Variant Classification Summary - May 2015. Collection method: clinical testing. Allele origin: germline.
Comment: Variant summary: SHH c.*2771T>C is located in the untranslated mRNA region downstream of the termination codon. The variant was absent in 151222 control chromosomes. The available data on variant occurrences in the general population are insufficient to allow any conclusion about variant significance. To our knowledge, no occurrence of c.*2771T>C in individuals affected with SHH-Related Disorders and no experimental evidence demonstrating its impact on protein function have been reported. No submitters have cited clinical-significance assessments for this variant to ClinVar. Based on the evidence outlined above, the variant was classified as uncertain significance.

NM_000193.4(SHH):c.*2771T>C

Gene: SHH (sonic hedgehog signaling molecule; minus strand). Cytogenetic location: 7q36.3.
Variant type: single nucleotide variant.
Coding change: c.*2771T>C on transcript NM_000193.4 (MANE Select); 2771 bases downstream of the stop codon, T replaced by C.
Molecular consequence: 3 prime UTR variant. On other transcripts: synonymous variant (1), non-coding transcript variant (2).
Genome position (GRCh38, 1-based): chr7:155,800,129, A>G on the plus strand (T>C on the coding strand, the complement: SHH is on the minus strand). VCF-style: chr7-155800129-A-G. GRCh37 (hg19) VCF-style: chr7-155592823-A-G.
Other names: c.418T>C, p.Leu140= (NM_001310462.2).
Identifiers: ClinVar variation 3907489 (VCV003907489.1).